The following is an entry in ClinVar:

NM_018975.4(TERF2IP):c.646G>T (p.Asp216Tyr)

Gene: TERF2IP (TERF2 interacting protein; plus strand). Cytogenetic location: 16q23.1.
Variant type: single nucleotide variant.
Coding change: c.646G>T on transcript NM_018975.4 (MANE Select); coding-DNA position 646, G replaced by T.
Protein change: p.Asp216Tyr; replaces aspartic acid 216 with tyrosine.
Molecular consequence: missense variant. On other transcripts: non-coding transcript variant (1).
Genome position (GRCh38, 1-based): chr16:75,648,528, G>T. VCF-style: chr16-75648528-G-T. GRCh37 (hg19) VCF-style: chr16-75682426-G-T.
Other names: short protein forms D216Y.
Identifiers: ClinVar variation 1753708 (VCV001753708.3), dbSNP rs2507075364, ClinGen allele CA396818359.

ClinVar aggregate classification (germline): Uncertain significance (1 of 4 stars; one submission).

Submission:

Ambry Genetics
Classification: Uncertain significance. Last evaluated: 2024-05-24. Review status: criteria provided, single submitter. Criteria: Ambry Variant Classification Scheme 2023. Collection method: clinical testing. Allele origin: germline.
Comment: The p.D216Y variant (also known as c.646G>T), located in coding exon 1 of the TERF2IP gene, results from a G to T substitution at nucleotide position 646. The aspartic acid at codon 216 is replaced by tyrosine, an amino acid with highly dissimilar properties. This amino acid position is conserved. In addition, this alteration is predicted to be tolerated by in silico analysis. Since supporting evidence is limited at this time, the clinical significance of this alteration remains unclear.